The following is an entry in ClinVar:

ClinVar aggregate classification (germline): Benign (1 of 4 stars; one submission).

Conditions:
Melanoma-pancreatic cancer syndrome. Identifiers: Orphanet 404560, MedGen C1838547, MONDO:0011713, OMIM 606719. Disease mechanism: loss of function.

gnomAD v4.1: 4 of 1,610,290 alleles (0.00025%); highest among the groups gnomAD compares: South Asian, 0.0022%; no homozygotes.

Submission:

Myriad Genetics, Inc.
Classification: Benign for Melanoma-pancreatic cancer syndrome. Last evaluated: 2025-08-13. Review status: criteria provided, single submitter. Criteria: Myriad Autosomal Dominant, Autosomal Recessive and X-Linked Classification Criteria (2023). Collection method: clinical testing. Allele origin: unknown.
Comment: This variant is considered benign. This variant is a silent/synonymous amino acid change and it is not expected to impact splicing.

NM_000077.5(CDKN2A):c.72G>A (p.Arg24=)

Gene: CDKN2A (cyclin dependent kinase inhibitor 2A; minus strand). Cytogenetic location: 9p21.3.
Variant type: single nucleotide variant.
Coding change: c.72G>A on transcript NM_000077.5; coding-DNA position 72, G replaced by A.
Protein change: p.Arg24=; no amino-acid change (arginine 24 retained).
Molecular consequence: synonymous variant (on NM_000077.6). On other transcripts: intron variant (2).
Genome position (GRCh38, 1-based): chr9:21,974,756, C>T on the plus strand (G>A on the coding strand, the complement: CDKN2A is on the minus strand). VCF-style: chr9-21974756-C-T. GRCh37 (hg19) VCF-style: chr9-21974755-C-T.
Other names: c.72G>A, p.Arg24= (NM_000077.6, NM_001195132.2, NM_058197.5); c.-3-3548G>A (NM_001363763.2); c.194-3548G>A (NM_058195.4).
Identifiers: ClinVar variation 4294136 (VCV004294136.1).
Genomic context (GRCh38, chr9:21,974,756, plus strand): 5'-GTAACTATTCGGTGCGTTGGGCAGCGCCCCCGCCTCCAGCAGCGCCCGCACCTCCTCTAC[C>T]CGACCCCGGGCCGCGGCCGTGGCCAGCCAGTCAGCCGAAGGCTCCATGCTGCTCCCCGCC-3'
Protein context (NP_000068.1, residues 14-34): DWLATAAARG[Arg24=]VEEVRALLEA